The following is an entry in ClinVar:

NM_000038.6(APC):c.4231A>G (p.Ser1411Gly)

Gene: APC (APC regulator of Wnt signaling pathway; plus strand). Cytogenetic location: 5q22.2.
Variant type: single nucleotide variant.
Coding change: c.4231A>G on transcript NM_000038.6 (MANE Select); coding-DNA position 4231, A replaced by G.
Protein change: p.Ser1411Gly; replaces serine 1411 with glycine.
Molecular consequence: missense variant. On other transcripts: non-coding transcript variant (2).
Genome position (GRCh38, 1-based): chr5:112,839,825, A>G. VCF-style: chr5-112839825-A-G. GRCh37 (hg19) VCF-style: chr5-112175522-A-G.
Other names: c.4054A>G, p.Ser1352Gly (NM_001354901.2, NM_001407453.1); c.3958A>G, p.Ser1320Gly (NM_001354902.2); c.3928A>G, p.Ser1310Gly (NM_001354903.2, NM_001407458.1, NM_001407459.1 and 1 more transcripts); c.3853A>G, p.Ser1285Gly (NM_001354904.2); c.3751A>G, p.Ser1251Gly (NM_001354905.2); c.3382A>G, p.Ser1128Gly (NM_001354906.2, NM_001407470.1); c.4315A>G, p.Ser1439Gly (NM_001407446.1); c.4285A>G, p.Ser1429Gly (NM_001407447.1, NM_001407448.1, NM_001407449.1 and 1 more transcripts); and 11 more; short protein forms S1027G, S1251G, S1285G, S1320G, S1386G, S1401G, S1128G, S1328G.
Identifiers: ClinVar variation 5024360 (VCV005024360.1).
Genomic context (GRCh38, chr5:112,839,825, plus strand): 5'-AGTTCACTTGATAGTTTTGAGAGTCGTTCGATTGCCAGCTCCGTTCAGAGTGAACCATGC[A>G]GTGGAATGGTAAGTGGCATTATAAGCCCCAGTGATCTTCCAGATAGCCCTGGACAAACCA-3'
Protein context (NP_000029.2, residues 1401-1421): IASSVQSEPC[Ser1411Gly]GMVSGIISPS

ClinVar aggregate classification (germline): Uncertain significance (1 of 4 stars; one submission).

Conditions:
Hereditary cancer-predisposing syndrome. Also called: Neoplastic Syndromes, Hereditary; Tumor predisposition; Hereditary neoplastic syndrome; Hereditary Cancer Syndrome. Identifiers: Orphanet 140162, MedGen C0027672, MeSH D009386, MONDO:0015356.

Submission:

Ambry Genetics
Classification: Uncertain significance for Hereditary cancer-predisposing syndrome. Last evaluated: 2026-07-07. Review status: criteria provided, single submitter. Criteria: Ambry Variant Classification Scheme 2023. Collection method: clinical testing. Allele origin: germline.
Comment: The p.S1411G variant (also known as c.4231A>G), located in coding exon 15 of the APC gene, results from an A to G substitution at nucleotide position 4231. The serine at codon 1411 is replaced by glycine, an amino acid with similar properties. This amino acid position is conserved. In addition, in silico predictors for this gene do not accurately predict pathogenicity. Based on the available evidence, the clinical significance of this variant remains unclear.